The following is an entry in ClinVar:

ClinVar aggregate classification (germline): Uncertain significance (1 of 4 stars; one submission).

Conditions:
Inborn genetic diseases. Identifiers: MedGen C0950123, MeSH D030342.

Submission:

Ambry Genetics
Classification: Uncertain significance for Inborn genetic diseases. Last evaluated: 2025-05-18. Review status: criteria provided, single submitter. Criteria: Ambry Variant Classification Scheme 2023. Collection method: clinical testing. Allele origin: germline.
Comment: The p.L1933I variant (also known as c.5797C>A), located in coding exon 22 of the FANCM gene, results from a C to A substitution at nucleotide position 5797. The leucine at codon 1933 is replaced by isoleucine, an amino acid with highly similar properties. This amino acid position is conserved. In addition, this alteration is predicted to be tolerated by in silico analysis. Based on the available evidence, the clinical significance of this variant remains unclear.

NM_020937.4(FANCM):c.5797C>A (p.Leu1933Ile)

Gene: FANCM (FA complementation group M; plus strand). Cytogenetic location: 14q21.2.
Variant type: single nucleotide variant.
Coding change: c.5797C>A on transcript NM_020937.4 (MANE Select); coding-DNA position 5797, C replaced by A.
Protein change: p.Leu1933Ile; replaces leucine 1933 with isoleucine.
Molecular consequence: missense variant.
Genome position (GRCh38, 1-based): chr14:45,198,724, C>A. VCF-style: chr14-45198724-C-A. GRCh37 (hg19) VCF-style: chr14-45667927-C-A.
Other names: c.5719C>A, p.Leu1907Ile (NM_001308133.2); short protein forms L1907I, L1933I.
Identifiers: ClinVar variation 4022795 (VCV004022795.1).
Genomic context (GRCh38, chr14:45,198,724, plus strand): 5'-AGGAGAACAAAGAGCTATGACAGCCTGCTGACTACCTTAATTGGCGCTGGAATCCGAATT[C>A]TTTTCAGTTCCTGCCAAGAAGAAACCGCAGATTTGCTAAAGGAACTGTCTTTAGTGGAAC-3'
Protein context (NP_065988.1, residues 1923-1943): TTLIGAGIRI[Leu1933Ile]FSSCQEETAD